The following is an entry in ClinVar:

ClinVar aggregate classification (germline): Uncertain significance (1 of 4 stars; one submission).

Conditions:
AP1G1-related disorder. Also called: AP1G1-related condition.

Submission:

PreventionGenetics, part of Exact Sciences
Classification: Uncertain significance for AP1G1-related condition. Last evaluated: 2022-11-08. Review status: criteria provided, single submitter. Criteria: ACMG Guidelines, 2015. Collection method: clinical testing. Allele origin: germline.
Comment: The AP1G1 c.1280G>T variant is predicted to result in the amino acid substitution p.Arg427Leu. To our knowledge, this variant has not been reported in the literature or in a large population database, indicating this variant is rare. At this time, the clinical significance of this variant is uncertain due to the absence of conclusive functional and genetic evidence.

NM_001128.6(AP1G1):c.1271G>T (p.Arg424Leu)

Gene: AP1G1 (adaptor related protein complex 1 subunit gamma 1; minus strand). Cytogenetic location: 16q22.2.
Variant type: single nucleotide variant.
Coding change: c.1271G>T on transcript NM_001128.6 (MANE Select); coding-DNA position 1271, G replaced by T.
Protein change: p.Arg424Leu; replaces arginine 424 with leucine.
Molecular consequence: missense variant.
Genome position (GRCh38, 1-based): chr16:71,753,846, C>A on the plus strand (G>T on the coding strand, the complement: AP1G1 is on the minus strand). VCF-style: chr16-71753846-C-A. GRCh37 (hg19) VCF-style: chr16-71787749-C-A.
Other names: c.1280G>T, p.Arg427Leu (NM_001030007.2); short protein forms R424L, R427L.
Identifiers: ClinVar variation 2635370 (VCV002635370.1), dbSNP rs774004811, ClinGen allele CA396667911.